The following is an entry in ClinVar:

ClinVar aggregate classification (germline): Uncertain significance (1 of 4 stars; one submission).

Conditions:
Landau-Kleffner syndrome (FESD). Also called: EPILEPSY, FOCAL, WITH SPEECH DISORDER AND WITH OR WITHOUT MENTAL RETARDATION; APHASIA, ACQUIRED, WITH EPILEPSY. Identifiers: Orphanet 1945, Orphanet 725, Orphanet 98818, MedGen C0282512, MONDO:0009509, OMIM 245570.

gnomAD v4.1: 2 of 1,613,570 alleles (0.00012%); highest among the groups gnomAD compares: Non-Finnish European, 0.00017%; no homozygotes.

Submission:

Labcorp Genetics (formerly Invitae), Labcorp
Classification: Uncertain significance for Landau-Kleffner syndrome. Last evaluated: 2025-05-04. Review status: criteria provided, single submitter. Criteria: Invitae Variant Classification Sherloc (09022015). Collection method: clinical testing. Allele origin: germline.
Comment: This sequence change affects codon 592 of the GRIN2A mRNA. It is a 'silent' change, meaning that it does not change the encoded amino acid sequence of the GRIN2A protein. It affects a nucleotide within the consensus splice site. This variant is not present in population databases (gnomAD no frequency). This variant has not been reported in the literature in individuals affected with GRIN2A-related conditions. Algorithms developed to predict the effect of sequence changes on RNA splicing suggest that this variant is not likely to affect RNA splicing. In summary, the available evidence is currently insufficient to determine the role of this variant in disease. Therefore, it has been classified as a Variant of Uncertain Significance.

NM_001134407.3(GRIN2A):c.1776A>G (p.Lys592=)

Gene: GRIN2A (glutamate ionotropic receptor NMDA type subunit 2A; minus strand). Cytogenetic location: 16p13.2.
Variant type: single nucleotide variant.
Coding change: c.1776A>G on transcript NM_001134407.3 (MANE Select); coding-DNA position 1776, A replaced by G.
Protein change: p.Lys592=; no amino-acid change (lysine 592 retained).
Molecular consequence: synonymous variant.
Genome position (GRCh38, 1-based): chr16:9,834,106, T>C on the plus strand (A>G on the coding strand, the complement: GRIN2A is on the minus strand). VCF-style: chr16-9834106-T-C. GRCh37 (hg19) VCF-style: chr16-9927963-T-C.
Other names: c.1776A>G, p.Lys592= (NM_000833.5, NM_001134408.2).
Identifiers: ClinVar variation 4693379 (VCV004693379.1).